The following is an entry in ClinVar:

NM_002230.4(JUP):c.1693G>A (p.Gly565Arg)

Gene: JUP (junction plakoglobin; minus strand). Cytogenetic location: 17q21.2.
Variant type: single nucleotide variant.
Coding change: c.1693G>A on transcript NM_002230.4 (MANE Select); coding-DNA position 1693, G replaced by A.
Protein change: p.Gly565Arg; replaces glycine 565 with arginine.
Molecular consequence: missense variant.
Genome position (GRCh38, 1-based): chr17:41,758,479, C>T on the plus strand (G>A on the coding strand, the complement: JUP is on the minus strand). VCF-style: chr17-41758479-C-T. GRCh37 (hg19) VCF-style: chr17-39914731-C-T.
Other names: c.1693G>A, p.Gly565Arg (NM_001352773.2, NM_001352774.2, NM_001352775.2 and 3 more transcripts); short protein forms G565R.
Identifiers: ClinVar variation 4089557 (VCV004089557.2).

ClinVar aggregate classification (germline): Uncertain significance. Review status: criteria provided, multiple submitters, no conflicts (2 of 4 stars). 2 submissions from 2 submitters: Uncertain significance (2). Last evaluated 2025-09-26.

Conditions:
Naxos disease (NXD). Also called: KERATOSIS PALMOPLANTARIS WITH ARRHYTHMOGENIC CARDIOMYOPATHY; MAL DE NAXOS; PALMOPLANTAR KERATODERMA WITH ARRHYTHMOGENIC RIGHT VENTRICULAR CARDIOMYOPATHY AND WOOLLY HAIR; WOOLLY HAIR, PALMOPLANTAR KERATODERMA, AND CARDIAC ABNORMALITIES; CARDIOMYOPATHY, ARRHYTHMOGENIC RIGHT VENTRICULAR, WITH SKIN, HAIR, AND NAIL ABNORMALITIES. Identifiers: Orphanet 34217, MedGen C1832600, MONDO:0011017, OMIM 601214.
Arrhythmogenic right ventricular dysplasia 12. Also called: ARRHYTHMOGENIC RIGHT VENTRICULAR DYSPLASIA, FAMILIAL, 12. Identifiers: MedGen C1969081, MONDO:0012684, OMIM 611528.
Cardiovascular phenotype. Identifiers: MedGen CN230736.

gnomAD v4.1: 2 of 1,613,798 alleles (0.00012%); highest among the groups gnomAD compares: Non-Finnish European, 0.000085%; no homozygotes.

Submissions (2):

Labcorp Genetics (formerly Invitae), Labcorp
Classification: Uncertain significance for Arrhythmogenic right ventricular dysplasia 12; Naxos disease. Last evaluated: 2025-09-26. Review status: criteria provided, single submitter. Criteria: Invitae Variant Classification Sherloc (09022015). Collection method: clinical testing. Allele origin: germline.
Comment: This sequence change replaces glycine, which is neutral and non-polar, with arginine, which is basic and polar, at codon 565 of the JUP protein (p.Gly565Arg). This variant is present in population databases (no rsID available, gnomAD 0.004%). This variant has not been reported in the literature in individuals affected with JUP-related conditions. An algorithm developed to predict the effect of missense changes on protein structure and function (PolyPhen-2) suggests that this variant is likely to be disruptive. In summary, the available evidence is currently insufficient to determine the role of this variant in disease. Therefore, it has been classified as a Variant of Uncertain Significance.

Ambry Genetics
Classification: Uncertain significance for Cardiovascular phenotype. Last evaluated: 2025-08-28. Review status: criteria provided, single submitter. Criteria: Ambry Variant Classification Scheme 2023. Collection method: clinical testing. Allele origin: germline.
Comment: The p.G565R variant (also known as c.1693G>A), located in coding exon 9 of the JUP gene, results from a G to A substitution at nucleotide position 1693. The glycine at codon 565 is replaced by arginine, an amino acid with dissimilar properties. This amino acid position is highly conserved in available vertebrate species. In addition, the in silico prediction for this alteration is inconclusive. Based on the available evidence, the clinical significance of this variant remains unclear.